The following is an entry in ClinVar:

NM_004523.4(KIF11):c.779A>G (p.Lys260Arg)

Gene: KIF11 (kinesin family member 11; plus strand). Cytogenetic location: 10q23.33.
Variant type: single nucleotide variant.
Coding change: c.779A>G on transcript NM_004523.4 (MANE Select); coding-DNA position 779, A replaced by G.
Protein change: p.Lys260Arg; replaces lysine 260 with arginine.
Molecular consequence: missense variant.
Genome position (GRCh38, 1-based): chr10:92,613,120, A>G. VCF-style: chr10-92613120-A-G. GRCh37 (hg19) VCF-style: chr10-94372877-A-G.
Other names: c.779A>G (NM_004523.3); short protein forms K260R.
Identifiers: ClinVar variation 1027234 (VCV001027234.8), dbSNP rs1844514882, ClinGen allele CA377590139.
Genomic context (GRCh38, chr10:92,613,120, plus strand): 5'-CTGTTACAATACATATGAAAGAAACTACGATTGATGGAGAAGAGCTTGTTAAAATCGGAA[A>G]GTTGAACTTGGTAAGCATCCACCTTAATACTACTGTTTCACTCTTAAACACCTTATAGAG-3'
Protein context (NP_004514.2, residues 250-270): IDGEELVKIG[Lys260Arg]LNLVDLAGSE

ClinVar aggregate classification (germline): Uncertain significance. Review status: criteria provided, multiple submitters, no conflicts (2 of 4 stars). 2 submissions from 2 submitters: Uncertain significance (2). Last evaluated 2024-08-05.

Submissions (2):

GeneDx
Classification: Uncertain significance. Last evaluated: 2024-08-05. Review status: criteria provided, single submitter. Criteria: GeneDx Variant Classification Process June 2021. Collection method: clinical testing. Allele origin: germline. Affected: yes.
Comment: Not observed at significant frequency in large population cohorts (gnomAD); In silico analysis supports that this missense variant has a deleterious effect on protein structure/function; Has not been previously published as pathogenic or benign to our knowledge

Labcorp Genetics (formerly Invitae), Labcorp
Classification: Uncertain significance. Last evaluated: 2020-08-17. Review status: criteria provided, single submitter. Criteria: Invitae Variant Classification Sherloc (09022015). Collection method: clinical testing. Allele origin: germline.
Comment: In summary, the available evidence is currently insufficient to determine the role of this variant in disease. Therefore, it has been classified as a Variant of Uncertain Significance. This sequence change replaces lysine with arginine at codon 260 of the KIF11 protein (p.Lys260Arg). The lysine residue is highly conserved and there is a small physicochemical difference between lysine and arginine. This variant is not present in population databases (ExAC no frequency). This variant has not been reported in the literature in individuals with KIF11-related conditions. Algorithms developed to predict the effect of missense changes on protein structure and function (SIFT, PolyPhen-2, Align-GVGD) all suggest that this variant is likely to be disruptive, but these predictions have not been confirmed by published functional studies and their clinical significance is uncertain.